The following is an entry in ClinVar:

NM_014975.3(MAST1):c.2661G>A (p.Ala887=)

Gene: MAST1 (microtubule associated serine/threonine kinase 1; plus strand). Cytogenetic location: 19p13.13.
Variant type: single nucleotide variant.
Coding change: c.2661G>A on transcript NM_014975.3 (MANE Select); coding-DNA position 2661, G replaced by A.
Protein change: p.Ala887=; no amino-acid change (alanine 887 retained).
Molecular consequence: synonymous variant.
Genome position (GRCh38, 1-based): chr19:12,868,737, G>A. VCF-style: chr19-12868737-G-A. GRCh37 (hg19) VCF-style: chr19-12979551-G-A.
Other names: c.2661G>A (NM_014975.2).
Identifiers: ClinVar variation 2054282 (VCV002054282.29), dbSNP rs142536814, ClinGen allele CA9233216.

ClinVar aggregate classification (germline): Benign. Review status: criteria provided, multiple submitters, no conflicts (2 of 4 stars). 3 submissions from 3 submitters: Benign (2). 1 of the submissions does not count toward it. Last evaluated 2025-12-15.

Conditions:
MAST1-related disorder. Also called: MAST1-related condition.

Allele frequency attached by ClinVar (database versions not stated): TOPMed 0.00029; gnomAD 0.00030; gnomAD exomes 0.00032; ExAC 0.00035; ESP Exome Variant Server 0.00038.

Submissions (3):

Labcorp Genetics (formerly Invitae), Labcorp
Classification: Benign. Last evaluated: 2025-12-15. Review status: criteria provided, single submitter. Criteria: Invitae Variant Classification Sherloc (09022015). Collection method: clinical testing. Allele origin: germline.

CeGaT Center for Human Genetics Tuebingen
Classification: Benign. Last evaluated: 2022-04-01. Review status: criteria provided, single submitter. Criteria: CeGaT Center For Human Genetics Tuebingen Variant Classification Criteria Version 2. Collection method: clinical testing. Allele origin: germline. Affected: yes. Observed: 1 variant allele.
Comment: MAST1: BS1, BS2

PreventionGenetics, part of Exact Sciences
Classification: Benign for MAST1-related condition. Last evaluated: 2019-11-08. Review status: no assertion criteria provided. Collection method: clinical testing. Allele origin: germline. Not counted in ClinVar's aggregate classification.
Comment: This variant is classified as benign based on ACMG/AMP sequence variant interpretation guidelines (Richards et al. 2015 PMID: 25741868, with internal and published modifications).